The following is an entry in ClinVar:

NM_001002925.1(OR5AP2):c.707C>T (p.Ser236Leu)

Gene: OR5AP2 (olfactory receptor family 5 subfamily AP member 2; minus strand). Cytogenetic location: 11q12.1.
Variant type: single nucleotide variant.
Coding change: c.707C>T on transcript NM_001002925.1 (MANE Select); coding-DNA position 707, C replaced by T.
Protein change: p.Ser236Leu; replaces serine 236 with leucine.
Molecular consequence: missense variant.
Genome position (GRCh38, 1-based): chr11:56,641,733, G>A on the plus strand (C>T on the coding strand, the complement: OR5AP2 is on the minus strand). VCF-style: chr11-56641733-G-A. GRCh37 (hg19) VCF-style: chr11-56409209-G-A.
Other names: short protein forms S236L.
Identifiers: ClinVar variation 2641789 (VCV002641789.24), dbSNP rs140197428, ClinGen allele CA6000961.

ClinVar aggregate classification (germline): Likely benign (1 of 4 stars; one submission).

Allele frequency attached by ClinVar (database versions not stated): ESP Exome Variant Server 0.00308; TOPMed 0.00323; gnomAD exomes 0.00339; 1000 Genomes Project 30x 0.00062; 1000 Genomes Project 0.00080; ExAC 0.00270; gnomAD 0.00301.
gnomAD v4.1: 5,549 of 1,614,006 alleles (0.34%); highest among the groups gnomAD compares: Middle Eastern, 1.1%; 25 homozygotes.

Submission:

CeGaT Center for Human Genetics Tuebingen
Classification: Likely benign. Last evaluated: 2023-01-01. Review status: criteria provided, single submitter. Criteria: CeGaT Center For Human Genetics Tuebingen Variant Classification Criteria Version 2. Collection method: clinical testing. Allele origin: germline. Affected: yes. Observed: 1 variant allele.
Comment: OR5AP2: BP4, BS2